The following is an entry in ClinVar:

NM_005188.4(CBL):c.524A>G (p.Gln175Arg)

Gene: CBL (Cbl proto-oncogene; plus strand). Cytogenetic location: 11q23.3.
Variant type: single nucleotide variant.
Coding change: c.524A>G on transcript NM_005188.4 (MANE Select); coding-DNA position 524, A replaced by G.
Protein change: p.Gln175Arg; replaces glutamine 175 with arginine.
Molecular consequence: missense variant.
Genome position (GRCh38, 1-based): chr11:119,271,815, A>G. VCF-style: chr11-119271815-A-G. GRCh37 (hg19) VCF-style: chr11-119142525-A-G.
Other names: short protein forms Q175R.
Identifiers: ClinVar variation 3485626 (VCV003485626.1).

ClinVar aggregate classification (germline): Uncertain significance (1 of 4 stars; one submission).

Conditions:
Cardiovascular phenotype. Identifiers: MedGen CN230736.

Submission:

Ambry Genetics
Classification: Uncertain significance for Cardiovascular phenotype. Last evaluated: 2024-12-02. Review status: criteria provided, single submitter. Criteria: Ambry Variant Classification Scheme 2023. Collection method: clinical testing. Allele origin: germline.
Comment: The p.Q175R variant (also known as c.524A>G), located in coding exon 3 of the CBL gene, results from an A to G substitution at nucleotide position 524. The glutamine at codon 175 is replaced by arginine, an amino acid with highly similar properties. This amino acid position is conserved. In addition, this alteration is predicted to be deleterious by in silico analysis. Based on the available evidence, the clinical significance of this variant remains unclear.